The following is an entry in ClinVar:

NM_032043.3(BRIP1):c.1965C>T (p.Pro655=)

Gene: BRIP1 (BRCA1 interacting DNA helicase 1; minus strand). Cytogenetic location: 17q23.2.
Variant type: single nucleotide variant.
Coding change: c.1965C>T on transcript NM_032043.3 (MANE Select); coding-DNA position 1965, C replaced by T.
Protein change: p.Pro655=; no amino-acid change (proline 655 retained).
Molecular consequence: synonymous variant.
Genome position (GRCh38, 1-based): chr17:61,776,533, G>A on the plus strand (C>T on the coding strand, the complement: BRIP1 is on the minus strand). VCF-style: chr17-61776533-G-A. GRCh37 (hg19) VCF-style: chr17-59853894-G-A.
Identifiers: ClinVar variation 1783509 (VCV001783509.4), dbSNP rs2145032993, ClinGen allele CA501150202.
Genomic context (GRCh38, chr17:61,776,533, plus strand): 5'-TTCATCTTGGAACTCAAATGTTTCAGTATTCTGGAAGGTAGCACAGAGATTCCGACCCTT[G>A]GGGCCTGACCCAATGGTACCAACCCAAACCTAGAATATGAATATGTCATTATTAGAGTTA-3'
Protein context (NP_114432.2, residues 645-665): QVWVGTIGSG[Pro655=]KGRNLCATFQ

ClinVar aggregate classification (germline): Conflicting classifications of pathogenicity. Review status: criteria provided, conflicting classifications (1 of 4 stars). 2 submissions from 2 submitters: Uncertain significance (1); Likely benign (1). Last evaluated 2024-04-06.

Conditions:
Hereditary cancer-predisposing syndrome. Also called: Tumor predisposition; Neoplastic Syndromes, Hereditary; Hereditary Cancer Syndrome; Hereditary neoplastic syndrome. Identifiers: Orphanet 140162, MedGen C0027672, MeSH D009386, MONDO:0015356.
Fanconi anemia complementation group J. Also called: BRIP1-Related Fanconi Anemia. Identifiers: Orphanet 84, MedGen C1836860, MONDO:0012187, OMIM 609054.
Familial cancer of breast. Also called: BREAST CANCER, FAMILIAL; Hereditary breast cancer; hereditary breast carcinoma. Identifiers: Orphanet 227535, MedGen C0346153, MONDO:0016419, OMIM 114480. Disease mechanism: loss of function.

Submissions (2):

Labcorp Genetics (formerly Invitae), Labcorp
Classification: Uncertain significance for Familial cancer of breast; Fanconi anemia complementation group J. Last evaluated: 2024-04-06. Review status: criteria provided, single submitter. Criteria: Invitae Variant Classification Sherloc (09022015). Collection method: clinical testing. Allele origin: germline.
Comment: This sequence change affects codon 655 of the BRIP1 mRNA. It is a 'silent' change, meaning that it does not change the encoded amino acid sequence of the BRIP1 protein. This variant is not present in population databases (gnomAD no frequency). This variant has not been reported in the literature in individuals affected with BRIP1-related conditions. ClinVar contains an entry for this variant (Variation ID: 1783509). Algorithms developed to predict the effect of sequence changes on RNA splicing suggest that this variant may create or strengthen a splice site. In summary, the available evidence is currently insufficient to determine the role of this variant in disease. Therefore, it has been classified as a Variant of Uncertain Significance.

Ambry Genetics
Classification: Likely benign for Hereditary cancer-predisposing syndrome. Last evaluated: 2021-10-07. Review status: criteria provided, single submitter. Criteria: Ambry Variant Classification Scheme 2023. Collection method: clinical testing. Allele origin: germline.